The following is an entry in ClinVar:

ClinVar aggregate classification (germline): Conflicting classifications of pathogenicity. Review status: criteria provided, conflicting classifications (1 of 4 stars). 3 submissions from 3 submitters: Uncertain significance (2); Likely benign (1). Last evaluated 2025-09-11.

Allele frequency attached by ClinVar (database versions not stated): ESP Exome Variant Server 0.00054; TOPMed 0.00108.
gnomAD v4.1: 279 of 1,614,034 alleles (0.017%); highest among the groups gnomAD compares: African/African-American, 0.34%; 2 homozygotes.

Submissions (3):

Labcorp Genetics (formerly Invitae), Labcorp
Classification: Likely benign. Last evaluated: 2025-09-11. Review status: criteria provided, single submitter. Criteria: Invitae Variant Classification Sherloc (09022015). Collection method: clinical testing. Allele origin: germline.

GeneDx
Classification: Uncertain significance. Last evaluated: 2024-03-08. Review status: criteria provided, single submitter. Criteria: GeneDx Variant Classification Process June 2021. Collection method: clinical testing. Allele origin: germline. Affected: yes.
Comment: In silico analysis supports that this missense variant has a deleterious effect on protein structure/function; Has not been previously published as pathogenic or benign to our knowledge

Mayo Clinic Laboratories, Mayo Clinic
Classification: Uncertain significance. Last evaluated: 2019-10-20. Review status: criteria provided, single submitter. Criteria: ACMG Guidelines, 2015. Collection method: clinical testing. Allele origin: germline. Observed: 1 variant allele.

NM_001205254.2(OCLN):c.469G>T (p.Val157Phe)

Gene: OCLN (occludin; plus strand). Cytogenetic location: 5q13.2.
Variant type: single nucleotide variant.
Coding change: c.469G>T on transcript NM_001205254.2 (MANE Select); coding-DNA position 469, G replaced by T.
Protein change: p.Val157Phe; replaces valine 157 with phenylalanine.
Molecular consequence: missense variant. On other transcripts: intron variant (1).
Genome position (GRCh38, 1-based): chr5:69,509,559, G>T. VCF-style: chr5-69509559-G-T. GRCh37 (hg19) VCF-style: chr5-68805386-G-T.
Other names: c.469G>T, p.Val157Phe (NM_001410743.1, NM_001438048.1, NM_001438604.1 and 1 more transcripts); c.-24-4389G>T (NM_001205255.2); short protein forms V157F.
Identifiers: ClinVar variation 546084 (VCV000546084.12), dbSNP rs139928771, ClinGen allele CA3294448.